The following is an entry in ClinVar:

ClinVar aggregate classification (germline): Pathogenic (1 of 4 stars; one submission).

Conditions:
BAP1-related tumor predisposition syndrome (TPDS1). Also called: Tumor susceptibility linked to germline BAP1 mutations; BAP1 tumor predisposition syndrome; TUMOR PREDISPOSITION SYNDROME 1; COMMON Syndrome. Identifiers: Orphanet 289539, MedGen C3280492, MONDO:0013692, OMIM 614327.

Submission:

Labcorp Genetics (formerly Invitae), Labcorp
Classification: Pathogenic for BAP1-related tumor predisposition syndrome. Last evaluated: 2022-06-18. Review status: criteria provided, single submitter. Criteria: Invitae Variant Classification Sherloc (09022015). Collection method: clinical testing. Allele origin: germline.
Comment: This sequence change affects a donor splice site in intron 7 of the BAP1 gene. It is expected to disrupt RNA splicing. Variants that disrupt the donor or acceptor splice site typically lead to a loss of protein function (PMID: 16199547), and loss-of-function variants in BAP1 are known to be pathogenic (PMID: 21874000, 23684012). This variant is not present in population databases (gnomAD no frequency). Disruption of this splice site has been observed in individuals with BAP1 tumor predisposition syndrome (PMID: 30517737, 31887429; Invitae). Algorithms developed to predict the effect of sequence changes on RNA splicing suggest that this variant may disrupt the consensus splice site. For these reasons, this variant has been classified as Pathogenic.

Literature cited by the submitters: PubMed 16199547; PubMed 21874000; PubMed 23684012; PubMed 30517737; PubMed 31887429.

NM_004656.4(BAP1):c.580+2T>C

Gene: BAP1 (BRCA1 associated deubiquitinase 1; minus strand). Cytogenetic location: 3p21.1.
Variant type: single nucleotide variant.
Coding change: c.580+2T>C on transcript NM_004656.4 (MANE Select); the canonical splice donor site of the intron after coding-DNA position 580, T replaced by C.
Molecular consequence: splice donor variant.
Genome position (GRCh38, 1-based): chr3:52,407,172, A>G on the plus strand (T>C on the coding strand, the complement: BAP1 is on the minus strand). VCF-style: chr3-52407172-A-G. GRCh37 (hg19) VCF-style: chr3-52441188-A-G.
Other names: c.580+2T>C (NM_001410772.1).
Identifiers: ClinVar variation 2008191 (VCV002008191.4), dbSNP rs2153227761, ClinGen allele CA353109311.
Genomic context (GRCh38, chr3:52,407,172, plus strand): 5'-AGCCCCAGCTCCCTAGGAGGTAGGCAGAGACACCCAACAGGCCTCCAGCTCATGGTGCCT[A>G]CCATGGTCAATGGGGTAGACCTTCAGCCCATCCAGCTCAAAGAGCCGGCCTGTGATAGGC-3'